The following is an entry in ClinVar:

NM_017433.5(MYO3A):c.219T>G (p.Ser73=)

Gene: MYO3A (myosin IIIA; plus strand). Cytogenetic location: 10p12.1.
Variant type: single nucleotide variant.
Coding change: c.219T>G on transcript NM_017433.5 (MANE Select); coding-DNA position 219, T replaced by G.
Protein change: p.Ser73=; no amino-acid change (serine 73 retained).
Molecular consequence: synonymous variant.
Genome position (GRCh38, 1-based): chr10:25,954,924, T>G. VCF-style: chr10-25954924-T-G. GRCh37 (hg19) VCF-style: chr10-26243853-T-G.
Other names: p.Ser73=; c.219T>G, p.Ser73= (NM_001368265.1).
Identifiers: ClinVar variation 1707387 (VCV001707387.4), dbSNP rs372782893, ClinGen allele CA5444233.

ClinVar aggregate classification (germline): Likely benign. Review status: criteria provided, multiple submitters, no conflicts (2 of 4 stars). 3 submissions from 3 submitters: Likely benign (3). Last evaluated 2025-02-23.

Allele frequency attached by ClinVar (database versions not stated): ExAC 0.00002; TOPMed 0.00002; gnomAD 0.00003; gnomAD exomes 0.00005; ESP Exome Variant Server 0.00008.
gnomAD v4.1: 79 of 1,612,526 alleles (0.0049%); highest among the groups gnomAD compares: Non-Finnish European, 0.0062%; no homozygotes.

Submissions (3):

Labcorp Genetics (formerly Invitae), Labcorp
Classification: Likely benign. Last evaluated: 2025-02-23. Review status: criteria provided, single submitter. Criteria: Invitae Variant Classification Sherloc (09022015). Collection method: clinical testing. Allele origin: germline.

Mayo Clinic Laboratories, Mayo Clinic
Classification: Likely benign. Last evaluated: 2025-02-12. Review status: criteria provided, single submitter. Criteria: ACMG Guidelines, 2015. Collection method: clinical testing. Allele origin: germline. Observed: 1 variant allele.
Comment: BP4, BP7

GeneDx
Classification: Likely benign. Last evaluated: 2019-07-12. Review status: criteria provided, single submitter. Criteria: GeneDx Variant Classification Process June 2021. Collection method: clinical testing. Allele origin: germline. Affected: yes.
Comment: See Variant Classification Assertion Criteria.